The following is an entry in ClinVar:

ClinVar aggregate classification (germline): Uncertain significance (0 of 4 stars; one submission).

Conditions:
SYNE1-related disorder. Also called: SYNE1-related disease; SYNE1-related condition; SYNE1-related disorders.

Allele frequency attached by ClinVar (database versions not stated): gnomAD exomes below 0.00001.
gnomAD v4.1: 1 of 1,614,196 alleles (0.000062%); highest among the groups gnomAD compares: Non-Finnish European, 0.000085%; no homozygotes.

Submission:

PreventionGenetics, part of Exact Sciences
Classification: Uncertain significance for SYNE1-related condition. Last evaluated: 2023-10-24. Review status: no assertion criteria provided. Collection method: clinical testing. Allele origin: germline.
Comment: The SYNE1 c.11698G>A variant is predicted to result in the amino acid substitution p.Glu3900Lys. To our knowledge, this variant has not been reported in the literature or in a large population database, indicating this variant is rare. At this time, the clinical significance of this variant is uncertain due to the absence of conclusive functional and genetic evidence.

NM_182961.4(SYNE1):c.11911G>A (p.Glu3971Lys)

Gene: SYNE1 (spectrin repeat containing nuclear envelope protein 1; minus strand). Cytogenetic location: 6q25.2.
Variant type: single nucleotide variant.
Coding change: c.11911G>A on transcript NM_182961.4 (MANE Select); coding-DNA position 11911, G replaced by A.
Protein change: p.Glu3971Lys; replaces glutamic acid 3971 with lysine.
Molecular consequence: missense variant.
Genome position (GRCh38, 1-based): chr6:152,347,226, C>T on the plus strand (G>A on the coding strand, the complement: SYNE1 is on the minus strand). VCF-style: chr6-152347226-C-T. GRCh37 (hg19) VCF-style: chr6-152668361-C-T.
Other names: c.11698G>A, p.Glu3900Lys (NM_033071.5); short protein forms E3900K, E3971K.
Identifiers: ClinVar variation 3032691 (VCV003032691.2), dbSNP rs2487166718, ClinGen allele CA366114890.